The following is an entry in ClinVar:

ClinVar aggregate classification (germline): Pathogenic (1 of 4 stars; one submission).

Submission:

Labcorp Genetics (formerly Invitae), Labcorp
Classification: Pathogenic. Last evaluated: 2022-06-20. Review status: criteria provided, single submitter. Criteria: Invitae Variant Classification Sherloc (09022015). Collection method: clinical testing. Allele origin: germline.
Comment: This sequence change creates a premature translational stop signal (p.Tyr171*) in the LAMC3 gene. It is expected to result in an absent or disrupted protein product. Loss-of-function variants in LAMC3 are known to be pathogenic (PMID: 21572413, 26802095). This variant is not present in population databases (gnomAD no frequency). This variant has not been reported in the literature in individuals affected with LAMC3-related conditions. For these reasons, this variant has been classified as Pathogenic.

Literature cited by the submitters: PubMed 21572413; PubMed 26802095.

NM_006059.4(LAMC3):c.513C>G (p.Tyr171Ter)

Gene: LAMC3 (laminin subunit gamma 3; plus strand). Cytogenetic location: 9q34.12.
Variant type: single nucleotide variant.
Coding change: c.513C>G on transcript NM_006059.4 (MANE Select); coding-DNA position 513, C replaced by G.
Protein change: p.Tyr171Ter; replaces tyrosine 171 with a stop codon.
Molecular consequence: nonsense.
Genome position (GRCh38, 1-based): chr9:131,026,424, C>G. VCF-style: chr9-131026424-C-G. GRCh37 (hg19) VCF-style: chr9-133901811-C-G.
Other names: short protein forms Y171*.
Identifiers: ClinVar variation 1417707 (VCV001417707.6), dbSNP rs556275584, ClinGen allele CA375252565.
Genomic context (GRCh38, chr9:131,026,424, plus strand): 5'-CCGCGCCGACGGCCCATGGGAGCCCTACCAGTTCTACAGCGCCTCCTGCCAGAAGACCTA[C>G]GGCCGGCCCGAGGGCCAGTACCTGCGCCCCGGCGAGGACGAGCGCGTGGCCTTCTGCACC-3'